The following is an entry in ClinVar:

NM_001267550.2(TTN):c.1952C>G (p.Ala651Gly)

Gene: TTN (titin; minus strand). Cytogenetic location: 2q31.2.
Variant type: single nucleotide variant.
Coding change: c.1952C>G on transcript NM_001267550.2 (MANE Select); coding-DNA position 1952, C replaced by G.
Protein change: p.Ala651Gly; replaces alanine 651 with glycine.
Molecular consequence: missense variant.
Genome position (GRCh38, 1-based): chr2:178,789,484, G>C on the plus strand (C>G on the coding strand, the complement: TTN is on the minus strand). VCF-style: chr2-178789484-G-C. GRCh37 (hg19) VCF-style: chr2-179654211-G-C.
Other names: c.1814C>G, p.Ala605Gly (NM_003319.4, NM_133432.3, NM_133437.4); c.1952C>G, p.Ala651Gly (NM_133378.4, NM_133379.5, NM_001256850.1); short protein forms A605G, A651G.
Identifiers: ClinVar variation 4823477 (VCV004823477.4).
Genomic context (GRCh38, chr2:178,789,484, plus strand): 5'-GTTTCTTGTTCTTTGGCTTTAGCAGTAGCAACTGCTATTGTAGACAAGGCAGTTTTCTCG[G>C]CTTCCTTTCTCATCTGATTATTACAGTAAAATCAAGATTTAAGTTGAACAGGGCTTCAAA-3'
Protein context (NP_001254479.2, residues 641-661): QITQEKMRKE[Ala651Gly]EKTALSTIAV

ClinVar aggregate classification (germline): Uncertain significance (1 of 4 stars; one submission).

Submission:

CeGaT Center for Human Genetics Tuebingen
Classification: Uncertain significance. Last evaluated: 2026-02-01. Review status: criteria provided, single submitter. Criteria: CeGaT Center For Human Genetics Tuebingen Variant Classification Criteria Version 2. Collection method: clinical testing. Allele origin: germline. Affected: yes. Observed: 1 variant allele.
Comment: TTN: PM2, BP4